The following is an entry in ClinVar:

ClinVar aggregate classification (germline): Uncertain significance (1 of 4 stars; one submission).

Conditions:
Early-infantile DEE. Also called: Early infantile epileptic encephalopathy with suppression bursts; Early infantile epileptic encephalopathy; Ohtahara syndrome. Identifiers: Orphanet 1934, MedGen C0393706, MONDO:0800491.

Submission:

Labcorp Genetics (formerly Invitae), Labcorp
Classification: Uncertain significance for Early-infantile DEE. Last evaluated: 2022-08-13. Review status: criteria provided, single submitter. Criteria: Invitae Variant Classification Sherloc (09022015). Collection method: clinical testing. Allele origin: germline.
Comment: In summary, the available evidence is currently insufficient to determine the role of this variant in disease. Therefore, it has been classified as a Variant of Uncertain Significance. Algorithms developed to predict the effect of missense changes on protein structure and function are either unavailable or do not agree on the potential impact of this missense change (SIFT: "Deleterious"; PolyPhen-2: "Benign"; Align-GVGD: "Class C0"). This variant has not been reported in the literature in individuals affected with CACNA2D2-related conditions. This variant is not present in population databases (gnomAD no frequency). This sequence change replaces alanine, which is neutral and non-polar, with glutamic acid, which is acidic and polar, at codon 206 of the CACNA2D2 protein (p.Ala206Glu).

NM_006030.4(CACNA2D2):c.617C>A (p.Ala206Glu)

Gene: CACNA2D2 (calcium voltage-gated channel auxiliary subunit alpha2delta 2; minus strand). Cytogenetic location: 3p21.31.
Variant type: single nucleotide variant.
Coding change: c.617C>A on transcript NM_006030.4 (MANE Select); coding-DNA position 617, C replaced by A.
Protein change: p.Ala206Glu; replaces alanine 206 with glutamic acid.
Molecular consequence: missense variant.
Genome position (GRCh38, 1-based): chr3:50,384,231, G>T on the plus strand (C>A on the coding strand, the complement: CACNA2D2 is on the minus strand). VCF-style: chr3-50384231-G-T. GRCh37 (hg19) VCF-style: chr3-50421662-G-T.
Other names: c.617C>A, p.Ala206Glu (NM_001005505.3, NM_001174051.3, NM_001410768.1); c.410C>A, p.Ala137Glu (NM_001291101.1); short protein forms A137E, A206E.
Identifiers: ClinVar variation 1716312 (VCV001716312.5), dbSNP rs770272736, ClinGen allele CA352943955.
Genomic context (GRCh38, chr3:50,384,231, plus strand): 5'-TGTCCCGATTGCTCTGCACACTCACAGCCTTTGTAGATGTCCGTAGGGATCTGTACAGCC[G>T]CGTATGAATAGTTGACCTTGTTCTTGAAGTTTGGGTCCTCGATGAAGTCCAGCCTTAGGG-3'
Protein context (NP_006021.2, residues 196-216): NFKNKVNYSY[Ala206Glu]AVQIPTDIYK